The following is an entry in ClinVar:

NM_003334.4(UBA1):c.1011C>G (p.His337Gln)

Gene: UBA1 (ubiquitin like modifier activating enzyme 1; plus strand). Cytogenetic location: Xp11.3.
Variant type: single nucleotide variant.
Coding change: c.1011C>G on transcript NM_003334.4 (MANE Select); coding-DNA position 1011, C replaced by G.
Protein change: p.His337Gln; replaces histidine 337 with glutamine.
Molecular consequence: missense variant.
Genome position (GRCh38, 1-based): chrX:47,202,459, C>G. VCF-style: chrX-47202459-C-G. GRCh37 (hg19) VCF-style: chrX-47061858-C-G.
Other names: c.1011C>G, p.His337Gln (NM_153280.3); short protein forms H337Q.
Identifiers: ClinVar variation 1434607 (VCV001434607.8), dbSNP rs1044559809, ClinGen allele CA412795417.

ClinVar aggregate classification (germline): Uncertain significance (1 of 4 stars; one submission).

Conditions:
Infantile-onset X-linked spinal muscular atrophy. Also called: AMC, DISTAL, X-LINKED; ARTHROGRYPOSIS, X-LINKED, TYPE I; Spinal muscular atrophy, X-linked 2; Spinal Muscular Atrophy, X-Linked Infantile; SPINAL MUSCULAR ATROPHY, X-LINKED LETHAL INFANTILE. Identifiers: Orphanet 1145, MedGen C1844934, MONDO:0010532, OMIM 301830.

Submission:

Labcorp Genetics (formerly Invitae), Labcorp
Classification: Uncertain significance for Infantile-onset X-linked spinal muscular atrophy. Last evaluated: 2021-03-15. Review status: criteria provided, single submitter. Criteria: Invitae Variant Classification Sherloc (09022015). Collection method: clinical testing. Allele origin: germline.
Comment: In summary, the available evidence is currently insufficient to determine the role of this variant in disease. Therefore, it has been classified as a Variant of Uncertain Significance. Algorithms developed to predict the effect of missense changes on protein structure and function are either unavailable or do not agree on the potential impact of this missense change (SIFT: "Deleterious"; PolyPhen-2: "Benign"; Align-GVGD: "Class C0"). This variant has not been reported in the literature in individuals with UBA1-related conditions. This variant is not present in population databases (ExAC no frequency). This sequence change replaces histidine with glutamine at codon 337 of the UBA1 protein (p.His337Gln). The histidine residue is moderately conserved and there is a small physicochemical difference between histidine and glutamine.